The following is an entry in ClinVar:

ClinVar aggregate classification (germline): Benign. Review status: criteria provided, multiple submitters, no conflicts (2 of 4 stars). 3 submissions from 2 submitters: Benign (3). Last evaluated 2018-01-13.

Conditions:
Migraine, familial hemiplegic, 2. Identifiers: Orphanet 569, MedGen C1865322, MONDO:0011232, OMIM 602481.
Alternating hemiplegia of childhood 1 (AHC1). Identifiers: Orphanet 2131, MedGen C3549447, MONDO:0007087, OMIM 104290.

Allele frequency attached by ClinVar (database versions not stated): 1000 Genomes Project 0.05851; 1000 Genomes Project 30x 0.05871; TOPMed 0.07437.

Submissions (3):

Illumina Laboratory Services, Illumina
Classification: Benign for Migraine, familial hemiplegic, 2. Last evaluated: 2018-01-13. Review status: criteria provided, single submitter. Criteria: ICSL Variant Classification Criteria 13 December 2019. Collection method: clinical testing. Allele origin: germline.
Comment: This variant was observed in the ICSL laboratory as part of a predisposition screen in an ostensibly healthy population. It had not been previously curated by ICSL or reported in the Human Gene Mutation Database (HGMD: prior to June 1st, 2018), and was therefore a candidate for classification through an automated scoring system. Utilizing variant allele frequency, disease prevalence and penetrance estimates, and inheritance mode, an automated score was calculated to assess if this variant is too frequent to cause the disease. Based on the score and internal cut-off values, a variant classified as benign is not then subjected to further curation. The score for this variant resulted in a classification of benign for this disease.

Illumina Laboratory Services, Illumina
Classification: Benign for Alternating hemiplegia of childhood 1. Last evaluated: 2018-01-13. Review status: criteria provided, single submitter. Criteria: ICSL Variant Classification Criteria 13 December 2019. Collection method: clinical testing. Allele origin: germline.
Comment: the same text as in the submission from Illumina Laboratory Services, Illumina above.

Breakthrough Genomics
Classification: Benign. Review status: criteria provided, single submitter. Criteria: ACMG Guidelines, 2015. Collection method: not provided. Allele origin: germline. Inheritance: Autosomal recessive inheritance. Affected: yes.

NM_000702.4(ATP1A2):c.*1211C>A

Gene: ATP1A2 (ATPase Na+/K+ transporting subunit alpha 2; plus strand). Cytogenetic location: 1q23.2.
Variant type: single nucleotide variant.
Coding change: c.*1211C>A on transcript NM_000702.4 (MANE Select); 1211 bases downstream of the stop codon, C replaced by A.
Molecular consequence: 3 prime UTR variant.
Genome position (GRCh38, 1-based): chr1:160,142,533, C>A. VCF-style: chr1-160142533-C-A. GRCh37 (hg19) VCF-style: chr1-160112323-C-A.
Identifiers: ClinVar variation 293164 (VCV000293164.6), dbSNP rs62621216, ClinGen allele CA10608482.
Genomic context (GRCh38, chr1:160,142,533, plus strand): 5'-AACATGGTCAGAACCTTTGGACAAGAGGAAAAATACTAAGAGATTTGCTTTTTCTGGGTG[C>A]GGTGGCTCATGCCTGTAATCCCAGCACTTTGGGAGGCCGAGGCAGGTGGATCATGAGGTC-3'